The following is an entry in ClinVar:

ClinVar aggregate classification (germline): Uncertain significance. Review status: criteria provided, multiple submitters, no conflicts (2 of 4 stars). 2 submissions from 2 submitters: Uncertain significance (2). Last evaluated 2023-08-24.

Conditions:
Hereditary cancer-predisposing syndrome. Also called: Neoplastic Syndromes, Hereditary; Tumor predisposition; Hereditary Cancer Syndrome; Hereditary neoplastic syndrome. Identifiers: Orphanet 140162, MedGen C0027672, MeSH D009386, MONDO:0015356.
Ataxia-telangiectasia-like disorder 1 (ATLD1). Identifiers: Orphanet 251347, MedGen C4012790, MONDO:0024557, OMIM 604391.

gnomAD v4.1: 1 of 1,613,914 alleles (0.000062%); highest among the groups gnomAD compares: Non-Finnish European, 0.000085%; no homozygotes.

Submissions (2):

Baylor Genetics
Classification: Uncertain significance for Ataxia-telangiectasia-like disorder 1. Last evaluated: 2023-08-24. Review status: criteria provided, single submitter. Criteria: ACMG Guidelines, 2015. Collection method: clinical testing. Allele origin: unknown.

Ambry Genetics
Classification: Uncertain significance for Hereditary cancer-predisposing syndrome. Last evaluated: 2023-02-09. Review status: criteria provided, single submitter. Criteria: Ambry Variant Classification Scheme 2023. Collection method: clinical testing. Allele origin: germline.
Comment: The p.E499V variant (also known as c.1496A>T), located in coding exon 12 of the MRE11A gene, results from an A to T substitution at nucleotide position 1496. The glutamic acid at codon 499 is replaced by valine, an amino acid with dissimilar properties. This amino acid position is well conserved in available vertebrate species. In addition, the in silico prediction for this alteration is inconclusive. Since supporting evidence is limited at this time, the clinical significance of this alteration remains unclear.

NM_005591.4(MRE11):c.1496A>T (p.Glu499Val)

Gene: MRE11 (MRE11 double strand break repair nuclease; minus strand). Cytogenetic location: 11q21.
Variant type: single nucleotide variant.
Coding change: c.1496A>T on transcript NM_005591.4 (MANE Select); coding-DNA position 1496, A replaced by T.
Protein change: p.Glu499Val; replaces glutamic acid 499 with valine.
Molecular consequence: missense variant.
Genome position (GRCh38, 1-based): chr11:94,459,412, T>A on the plus strand (A>T on the coding strand, the complement: MRE11 is on the minus strand). VCF-style: chr11-94459412-T-A. GRCh37 (hg19) VCF-style: chr11-94192578-T-A.
Other names: c.1496A>T, p.Glu499Val (NM_001330347.2, NM_005590.4); short protein forms E499V.
Identifiers: ClinVar variation 481768 (VCV000481768.7), dbSNP rs774145193, ClinGen allele CA382371617.
Genomic context (GRCh38, chr11:94,459,412, plus strand): 5'-CTACTCTTAAAGACAGACTATTTAAATAGACCTAGACACTCAAATTAGTTACTTACCTCC[T>A]CATCGATTTTGTCTTCGAGGGCATCAATATGACGTTCTTTAAGAAATCGCTGTGTTTTTT-3'
Protein context (NP_005582.1, residues 489-509): HIDALEDKID[Glu499Val]EVRRFRETRQ